The following is an entry in ClinVar:

ClinVar aggregate classification (germline): Uncertain significance (1 of 4 stars; one submission).

Conditions:
RASopathy. Also called: Noonan spectrum disorder; rasopathies. Identifiers: Orphanet 536391, MedGen C5555857, MONDO:0021060.

gnomAD v4.1: 1 of 1,601,514 alleles (0.000062%); highest among the groups gnomAD compares: Non-Finnish European, 0.000086%; no homozygotes.

Submission:

Labcorp Genetics (formerly Invitae), Labcorp
Classification: Uncertain significance for RASopathy. Last evaluated: 2022-04-18. Review status: criteria provided, single submitter. Criteria: Invitae Variant Classification Sherloc (09022015). Collection method: clinical testing. Allele origin: germline.
Comment: In summary, the available evidence is currently insufficient to determine the role of this variant in disease. Therefore, it has been classified as a Variant of Uncertain Significance. Algorithms developed to predict the effect of missense changes on protein structure and function are either unavailable or do not agree on the potential impact of this missense change (SIFT: "Tolerated"; PolyPhen-2: "Possibly Damaging"; Align-GVGD: "Class C0"). This variant has not been reported in the literature in individuals affected with SOS1-related conditions. This variant is not present in population databases (gnomAD no frequency). This sequence change replaces leucine, which is neutral and non-polar, with methionine, which is neutral and non-polar, at codon 290 of the SOS1 protein (p.Leu290Met).

NM_005633.4(SOS1):c.868C>A (p.Leu290Met)

Gene: SOS1 (SOS Ras/Rac guanine nucleotide exchange factor 1; minus strand). Cytogenetic location: 2p22.1.
Variant type: single nucleotide variant.
Coding change: c.868C>A on transcript NM_005633.4 (MANE Select); coding-DNA position 868, C replaced by A.
Protein change: p.Leu290Met; replaces leucine 290 with methionine.
Molecular consequence: missense variant.
Genome position (GRCh38, 1-based): chr2:39,035,497, G>T on the plus strand (C>A on the coding strand, the complement: SOS1 is on the minus strand). VCF-style: chr2-39035497-G-T. GRCh37 (hg19) VCF-style: chr2-39262638-G-T.
Other names: c.847C>A, p.Leu283Met (NM_001382394.1); c.868C>A, p.Leu290Met (NM_001382395.1); short protein forms L290M, L283M.
Identifiers: ClinVar variation 2163485 (VCV002163485.4), dbSNP rs769009063, ClinGen allele CA45683654.
Genomic context (GRCh38, chr2:39,035,497, plus strand): 5'-GATCATGAAAACCAGGTCGCAAAATATCTCGAGCATACGATTCATATGGATCAAATGCCA[G>T]TTCCTTAGAAAATAAAGAAGGTAAAACATAAATAATTTACCATTACAAACACAGAAAGAT-3'
Protein context (NP_005624.2, residues 280-300): GSCFEDLAEE[Leu290Met]AFDPYESYAR